The following is an entry in ClinVar:

ClinVar aggregate classification (germline): Uncertain significance. Review status: criteria provided, multiple submitters, no conflicts (2 of 4 stars). 2 submissions from 2 submitters: Uncertain significance (2). Last evaluated 2022-08-12.

Conditions:
Inborn genetic diseases. Identifiers: MedGen C0950123, MeSH D030342.
Spondyloenchondrodysplasia with immune dysregulation (SPENCDI). Also called: COMBINED IMMUNODEFICIENCY WITH AUTOIMMUNITY AND SPONDYLOMETAPHYSEAL DYSPLASIA; ROIFMAN IMMUNOSKELETAL SYNDROME; SPONDYLOENCHONDRODYSPLASIA WITH OR WITHOUT IMMUNE DYSREGULATION. Identifiers: Orphanet 1855, MedGen C1842763, MONDO:0011939, OMIM 607944.

Allele frequency attached by ClinVar (database versions not stated): ExAC 0.00003; gnomAD exomes 0.00006.
gnomAD v4.1: 38 of 1,613,984 alleles (0.0024%); highest among the groups gnomAD compares: Admixed American, 0.022%; no homozygotes.

Submissions (2):

Labcorp Genetics (formerly Invitae), Labcorp
Classification: Uncertain significance for Spondyloenchondrodysplasia with immune dysregulation. Last evaluated: 2022-08-12. Review status: criteria provided, single submitter. Criteria: Invitae Variant Classification Sherloc (09022015). Collection method: clinical testing. Allele origin: germline.
Comment: This sequence change replaces arginine, which is basic and polar, with glutamine, which is neutral and polar, at codon 269 of the ACP5 protein (p.Arg269Gln). This variant is present in population databases (rs749985898, gnomAD 0.03%). This variant has not been reported in the literature in individuals affected with ACP5-related conditions. ClinVar contains an entry for this variant (Variation ID: 1431793). Algorithms developed to predict the effect of missense changes on protein structure and function output the following: SIFT: "Not Available"; PolyPhen-2: "Benign"; Align-GVGD: "Not Available". The glutamine amino acid residue is found in multiple mammalian species, which suggests that this missense change does not adversely affect protein function. In summary, the available evidence is currently insufficient to determine the role of this variant in disease. Therefore, it has been classified as a Variant of Uncertain Significance.

Ambry Genetics
Classification: Uncertain significance for Inborn genetic diseases. Last evaluated: 2021-09-16. Review status: criteria provided, single submitter. Criteria: Ambry Variant Classification Scheme 2023. Collection method: clinical testing. Allele origin: germline.

NM_001611.5(ACP5):c.806G>A (p.Arg269Gln)

Gene: ACP5 (acid phosphatase 5, tartrate resistant; minus strand). Cytogenetic location: 19p13.2.
Variant type: single nucleotide variant.
Coding change: c.806G>A on transcript NM_001611.5 (MANE Select); coding-DNA position 806, G replaced by A.
Protein change: p.Arg269Gln; replaces arginine 269 with glutamine.
Molecular consequence: missense variant.
Genome position (GRCh38, 1-based): chr19:11,575,182, C>T on the plus strand (G>A on the coding strand, the complement: ACP5 is on the minus strand). VCF-style: chr19-11575182-C-T. GRCh37 (hg19) VCF-style: chr19-11685997-C-T.
Other names: c.806G>A, p.Arg269Gln (NM_001111034.3, NM_001111035.3, NM_001111036.3 and 1 more transcripts); c.806G>A (NM_001111035.1); short protein forms R269Q.
Identifiers: ClinVar variation 1431793 (VCV001431793.4), dbSNP rs749985898, ClinGen allele CA9215314.